The following is an entry in ClinVar:

ClinVar aggregate classification (germline): Uncertain significance (1 of 4 stars; one submission).

Conditions:
Epidermolysis bullosa simplex with nail dystrophy (EBS5D). Identifiers: MedGen C4225309, MONDO:0014661, OMIM 616487.
Epidermolysis bullosa simplex 5B, with muscular dystrophy (EBS5B). Also called: EPIDERMOLYSIS BULLOSA SIMPLEX AND LIMB-GIRDLE MUSCULAR DYSTROPHY; Epidermolysis bullosa simplex with muscular dystrophy. Identifiers: Orphanet 257, MedGen C2931072, MONDO:0009181, OMIM 226670.
Epidermolysis bullosa simplex 5C, with pyloric atresia (EBS5C). Also called: PLEC-Related Epidermolysis Bullosa with Pyloric Atresia; Epidermolysis bullosa simplex with pyloric atresia; PLEC1-Related Epidermolysis Bullosa with Pyloric Atresia. Identifiers: Orphanet 158684, MedGen C2677349, MONDO:0012807, OMIM 612138.
Autosomal recessive limb-girdle muscular dystrophy type 2Q (LGMDR17). Also called: MUSCULAR DYSTROPHY, LIMB-GIRDLE, AUTOSOMAL RECESSIVE 17. Identifiers: Orphanet 254361, MedGen C3150989, MONDO:0013390, OMIM 613723.
Epidermolysis bullosa simplex, Ogna type (EBS5A). Also called: Pidermolysis bullosa simplex 5A, Ogna type; EPIDERMOLYSIS BULLOSA SIMPLEX 5A, OGNA TYPE. Identifiers: Orphanet 79401, MedGen C0432317, MONDO:0007555, OMIM 131950.

Allele frequency attached by ClinVar (database versions not stated): TOPMed below 0.00001; ExAC 0.00001; gnomAD exomes 0.00001.
gnomAD v4.1: 4 of 1,612,868 alleles (0.00025%); highest among the groups gnomAD compares: Non-Finnish European, 0.00034%; no homozygotes.

Submission:

Labcorp Genetics (formerly Invitae), Labcorp
Classification: Uncertain significance for Autosomal recessive limb-girdle muscular dystrophy type 2Q; Epidermolysis bullosa simplex, Ogna type; Epidermolysis bullosa simplex with nail dystrophy; Epidermolysis bullosa simplex 5C, with pyloric atresia; Epidermolysis bullosa simplex 5B, with muscular dystrophy. Last evaluated: 2022-12-09. Review status: criteria provided, single submitter. Criteria: Invitae Variant Classification Sherloc (09022015). Collection method: clinical testing. Allele origin: germline.
Comment: In summary, the available evidence is currently insufficient to determine the role of this variant in disease. Therefore, it has been classified as a Variant of Uncertain Significance. Algorithms developed to predict the effect of sequence changes on RNA splicing suggest that this variant may disrupt the consensus splice site. This variant has not been reported in the literature in individuals affected with PLEC-related conditions. This variant is present in population databases (rs782145430, gnomAD 0.0009%). This sequence change affects codon 143 of the PLEC mRNA. It is a 'silent' change, meaning that it does not change the encoded amino acid sequence of the PLEC protein.

NM_201384.3(PLEC):c.348G>A (p.Lys116=)

Gene: PLEC (plectin; minus strand). Cytogenetic location: 8q24.3.
Variant type: single nucleotide variant.
Coding change: c.348G>A on transcript NM_201384.3 (MANE Select); coding-DNA position 348, G replaced by A.
Protein change: p.Lys116=; no amino-acid change (lysine 116 retained).
Molecular consequence: synonymous variant.
Genome position (GRCh38, 1-based): chr8:143,937,066, C>T on the plus strand (G>A on the coding strand, the complement: PLEC is on the minus strand). VCF-style: chr8-143937066-C-T. GRCh37 (hg19) VCF-style: chr8-145011234-C-T.
Other names: c.429G>A, p.Lys143= (NM_000445.5, NM_001410941.1); c.306G>A, p.Lys102= (NM_201378.4); c.282G>A, p.Lys94= (NM_201379.3); c.759G>A, p.Lys253= (NM_201380.4); c.252G>A, p.Lys84= (NM_201381.3); c.348G>A, p.Lys116= (NM_201382.4); c.360G>A, p.Lys120= (NM_201383.3).
Identifiers: ClinVar variation 2927276 (VCV002927276.3), dbSNP rs782145430, ClinGen allele CA4928469.